The following is an entry in ClinVar:

ClinVar aggregate classification (germline): Likely benign. Review status: criteria provided, multiple submitters, no conflicts (2 of 4 stars). 3 submissions from 3 submitters: Likely benign (3). Last evaluated 2025-12-10.

Conditions:
Congenital factor V deficiency. Also called: Hereditary factor V deficiency disease; PARAHEMOPHILIA; LABILE FACTOR DEFICIENCY; OWREN PARAHEMOPHILIA. Identifiers: Orphanet 326, MedGen C0015499, MONDO:0009210, OMIM 227400.

Allele frequency attached by ClinVar (database versions not stated): ExAC 0.00006; TOPMed 0.00008; gnomAD 0.00009 and 0.00010; gnomAD exomes 0.00010; ESP Exome Variant Server 0.00015.
gnomAD v4.1: 158 of 1,613,784 alleles (0.0098%); highest among the groups gnomAD compares: South Asian, 0.057%; 2 homozygotes.

Submissions (3):

Labcorp Genetics (formerly Invitae), Labcorp
Classification: Likely benign for Congenital factor V deficiency. Last evaluated: 2025-12-10. Review status: criteria provided, single submitter. Criteria: Invitae Variant Classification Sherloc (09022015). Collection method: clinical testing. Allele origin: germline.

Mayo Clinic Laboratories, Mayo Clinic
Classification: Likely benign. Last evaluated: 2025-07-09. Review status: criteria provided, single submitter. Criteria: ACMG Guidelines, 2015. Collection method: clinical testing. Allele origin: germline. Observed: 1 variant allele.
Comment: BP4, BP7

CeGaT Center for Human Genetics Tuebingen
Classification: Likely benign. Last evaluated: 2019-06-01. Review status: criteria provided, single submitter. Criteria: CeGaT Center For Human Genetics Tuebingen Variant Classification Criteria Version 2. Collection method: clinical testing. Allele origin: germline. Affected: yes. Observed: 1 variant allele.

NM_000130.5(F5):c.1374A>G (p.Glu458=)

Gene: F5 (coagulation factor V; minus strand). Cytogenetic location: 1q24.2.
Variant type: single nucleotide variant.
Coding change: c.1374A>G on transcript NM_000130.5 (MANE Select); coding-DNA position 1374, A replaced by G.
Protein change: p.Glu458=; no amino-acid change (glutamic acid 458 retained).
Molecular consequence: synonymous variant.
Genome position (GRCh38, 1-based): chr1:169,550,662, T>C on the plus strand (A>G on the coding strand, the complement: F5 is on the minus strand). VCF-style: chr1-169550662-T-C. GRCh37 (hg19) VCF-style: chr1-169519900-T-C.
Other names: p.Glu458=.
Identifiers: ClinVar variation 806277 (VCV000806277.46), dbSNP rs150708584, ClinGen allele CA1234334.
Genomic context (GRCh38, chr1:169,550,662, plus strand): 5'-GTTACTAGTTGGATTCAGTAGAAGTGAAAGATTCAAACCTGAGGTGAAAGAAGAGTTGAC[T>C]TCATCTTCATAAGGCGAGAAGGTCACTCCATGAGGGTAAATGCTATAGGGGCGGCTGGCC-3'
Protein context (NP_000121.2, residues 448-468): HGVTFSPYED[Glu458=]VNSSFTSGRN